The following is an entry in ClinVar:

NM_001394998.1(TANC2):c.94C>G (p.Arg32Gly)

Gene: TANC2 (tetratricopeptide repeat, ankyrin repeat and coiled-coil containing 2; plus strand). Cytogenetic location: 17q23.2.
Variant type: single nucleotide variant.
Coding change: c.94C>G on transcript NM_001394998.1 (MANE Select); coding-DNA position 94, C replaced by G.
Protein change: p.Arg32Gly; replaces arginine 32 with glycine.
Molecular consequence: missense variant.
Genome position (GRCh38, 1-based): chr17:63,073,969, C>G. VCF-style: chr17-63073969-C-G. GRCh37 (hg19) VCF-style: chr17-61151330-C-G.
Other names: c.94C>G, p.Arg32Gly (NM_001411076.1, NM_025185.4); short protein forms R32G.
Identifiers: ClinVar variation 2635571 (VCV002635571.1), dbSNP rs1468782400, ClinGen allele CA400791969.

ClinVar aggregate classification (germline): Uncertain significance (1 of 4 stars; one submission).

Conditions:
TANC2-related disorder. Also called: TANC2-related condition.

Allele frequency attached by ClinVar (database versions not stated): gnomAD exomes 0.00001.
gnomAD v4.1: 7 of 1,589,626 alleles (0.00044%); highest among the groups gnomAD compares: Admixed American, 0.0035%; no homozygotes.

Submission:

PreventionGenetics, part of Exact Sciences
Classification: Uncertain significance for TANC2-related condition. Last evaluated: 2022-11-08. Review status: criteria provided, single submitter. Criteria: ACMG Guidelines, 2015. Collection method: clinical testing. Allele origin: germline.
Comment: The TANC2 c.94C>G variant is predicted to result in the amino acid substitution p.Arg32Gly. To our knowledge, this variant has not been reported in the literature. This variant is reported in 0.0032% of alleles in individuals of Latino descent in gnomAD. At this time, the clinical significance of this variant is uncertain due to the absence of conclusive functional and genetic evidence.